The following is an entry in ClinVar:

ClinVar aggregate classification (germline): Pathogenic. Review status: criteria provided, multiple submitters, no conflicts (2 of 4 stars). 3 submissions from 3 submitters: Pathogenic (3). Last evaluated 2026-10-19.

Conditions:
Cardiovascular phenotype. Identifiers: MedGen CN230736.
Distal myopathy with posterior leg and anterior hand involvement. Also called: WILLIAMS DISTAL MYOPATHY. Identifiers: Orphanet 63273, MedGen C3279722, MONDO:0013550, OMIM 614065.
Hypertrophic cardiomyopathy 26. Also called: Cardiomyopathy, familial hypertrophic, 26. Identifiers: Orphanet 75249, MedGen C4310749, MONDO:0014883, OMIM 617047.
Myofibrillar myopathy 5. Also called: Filaminopathy (type); FILAMINOPATHY, AUTOSOMAL DOMINANT. Identifiers: Orphanet 171445, MedGen C1836050, MONDO:0012289, OMIM 609524.

Submissions (3):

GeneDx
Classification: Pathogenic. Last evaluated: 2026-10-19. Review status: criteria provided, single submitter. Criteria: GeneDx Variant Classification Process June 2021. Collection method: clinical testing. Allele origin: germline.
Comment: Frameshift variant predicted to result in protein truncation or nonsense mediated decay in a gene for which loss of function is a known mechanism of disease; Not observed at significant frequency in large population cohorts (gnomAD); Has not been previously published as pathogenic or benign to our knowledge; This variant is associated with the following publications: (PMID: 34697415)

Ambry Genetics
Classification: Pathogenic for Cardiovascular phenotype. Last evaluated: 2026-08-11. Review status: criteria provided, single submitter. Criteria: Ambry Variant Classification Scheme 2023. Collection method: clinical testing. Allele origin: germline.
Comment: The c.4275delG pathogenic mutation, located in coding exon 24 of the FLNC gene, results from a deletion of one nucleotide at nucleotide position 4275, causing a translational frameshift with a predicted alternate stop codon (p.R1426Gfs*12). This variant is considered to be rare based on population cohorts in the Genome Aggregation Database (gnomAD). This alteration is expected to result in loss of function by premature protein truncation or nonsense-mediated mRNA decay. As such, this alteration is interpreted as a disease-causing mutation for FLNC-related dilated cardiomyopathy; however, its clinical significance for FLNC-related hypertrophic/restrictive cardiomyopathy and/or skeletal myopathy is uncertain.

Labcorp Genetics (formerly Invitae), Labcorp
Classification: Pathogenic for Distal myopathy with posterior leg and anterior hand involvement; Myofibrillar myopathy 5; Hypertrophic cardiomyopathy 26. Last evaluated: 2025-10-05. Review status: criteria provided, single submitter. Criteria: Invitae Variant Classification Sherloc (09022015). Collection method: clinical testing. Allele origin: germline.
Comment: This sequence change creates a premature translational stop signal (p.Arg1426Glyfs*12) in the FLNC gene. It is expected to result in an absent or disrupted protein product. Loss-of-function variants in FLNC are known to be pathogenic (PMID: 27908349). This variant is not present in population databases (gnomAD no frequency). This variant has not been reported in the literature in individuals affected with FLNC-related conditions. ClinVar contains an entry for this variant (Variation ID: 1878987). For these reasons, this variant has been classified as Pathogenic.

Literature cited by the submitters: PubMed 27908349 (cited by Labcorp Genetics (formerly Invitae), Labcorp).

NM_001458.5(FLNC):c.4275del (p.Arg1426fs)

Gene: FLNC (filamin C; plus strand). Cytogenetic location: 7q32.1.
Variant type: Deletion.
Coding change: c.4275del on transcript NM_001458.5 (MANE Select); coding-DNA position 4275, one base deleted (G; older notation c.4275delG).
Protein change: p.Arg1426fs; shifts the reading frame from arginine 1426.
Molecular consequence: frameshift variant.
Genome position (GRCh38, 1-based): chr7:128,846,892, G deleted; the last of 6 consecutive G bases (chr7:128,846,887-128,846,892); deleting any one gives the same sequence. VCF-style (leftmost placement, unchanged base first): chr7-128846886-CG-C. GRCh37 (hg19) VCF-style: chr7-128486940-CG-C.
Other names: c.4275del, p.Arg1426fs (NM_001127487.2); short protein forms R1426fs.
Identifiers: ClinVar variation 1878987 (VCV001878987.7), dbSNP rs756985550, ClinGen allele CA457582102.